The following is an entry in ClinVar:

NM_139321.3(ATRN):c.4130G>A (p.Arg1377Gln)

Gene: ATRN (attractin; plus strand). Cytogenetic location: 20p13.
Variant type: single nucleotide variant.
Coding change: c.4130G>A on transcript NM_139321.3 (MANE Select); coding-DNA position 4130, G replaced by A.
Protein change: p.Arg1377Gln; replaces arginine 1377 with glutamine.
Molecular consequence: missense variant.
Genome position (GRCh38, 1-based): chr20:3,644,233, G>A. VCF-style: chr20-3644233-G-A. GRCh37 (hg19) VCF-style: chr20-3624880-G-A.
Other names: short protein forms R1377Q.
Identifiers: ClinVar variation 1513268 (VCV001513268.6), dbSNP rs145213460, ClinGen allele CA9744739.

ClinVar aggregate classification (germline): Uncertain significance (1 of 4 stars; one submission).

Allele frequency attached by ClinVar (database versions not stated): gnomAD 0.00001 and 0.00002; gnomAD exomes 0.00001 and 0.00002; ExAC 0.00003; TOPMed 0.00003; ESP Exome Variant Server 0.00008.
gnomAD v4.1: 19 of 1,614,048 alleles (0.0012%); highest among the groups gnomAD compares: Middle Eastern, 0.049%; no homozygotes.

Submission:

Labcorp Genetics (formerly Invitae), Labcorp
Classification: Uncertain significance. Last evaluated: 2024-02-24. Review status: criteria provided, single submitter. Criteria: Invitae Variant Classification Sherloc (09022015). Collection method: clinical testing. Allele origin: germline.
Comment: This sequence change replaces arginine, which is basic and polar, with glutamine, which is neutral and polar, at codon 1377 of the ATRN protein (p.Arg1377Gln). This variant is present in population databases (rs145213460, gnomAD 0.003%). This variant has not been reported in the literature in individuals affected with ATRN-related conditions. ClinVar contains an entry for this variant (Variation ID: 1513268). Algorithms developed to predict the effect of missense changes on protein structure and function output the following: SIFT: "Not Available"; PolyPhen-2: "Benign"; Align-GVGD: "Not Available". The glutamine amino acid residue is found in multiple mammalian species, which suggests that this missense change does not adversely affect protein function. In summary, the available evidence is currently insufficient to determine the role of this variant in disease. Therefore, it has been classified as a Variant of Uncertain Significance.